The following is an entry in ClinVar:

ClinVar aggregate classification (germline): Uncertain significance. Review status: criteria provided, multiple submitters, no conflicts (2 of 4 stars). 2 submissions from 2 submitters: Uncertain significance (2). Last evaluated 2021-09-01.

Conditions:
Dilated cardiomyopathy 1KK (CMD1KK). Identifiers: Orphanet 154, Orphanet 75249, MedGen C3714995, MONDO:0014100, OMIM 615248.
Cardiovascular phenotype. Identifiers: MedGen CN230736.

Allele frequency attached by ClinVar (database versions not stated): gnomAD 0.00001; ExAC 0.00003; gnomAD exomes 0.00004; TOPMed 0.00004.
gnomAD v4.1: 8 of 1,614,004 alleles (0.0005%); highest among the groups gnomAD compares: East Asian, 0.016%; no homozygotes.

Submissions (2):

Labcorp Genetics (formerly Invitae), Labcorp
Classification: Uncertain significance for Dilated cardiomyopathy 1KK. Last evaluated: 2021-09-01. Review status: criteria provided, single submitter. Criteria: Invitae Variant Classification Sherloc (09022015). Collection method: clinical testing. Allele origin: germline.
Comment: This sequence change replaces arginine with serine at codon 137 of the MYPN protein (p.Arg137Ser). The arginine residue is moderately conserved and there is a moderate physicochemical difference between arginine and serine. This variant is present in population databases (rs751085897, ExAC 0.05%). This missense change has been observed in individual(s) with hypertrophic cardiomyopathy (PMID: 30165862). ClinVar contains an entry for this variant (Variation ID: 520313). Algorithms developed to predict the effect of missense changes on protein structure and function are either unavailable or do not agree on the potential impact of this missense change (SIFT: "Deleterious"; PolyPhen-2: "Benign"; Align-GVGD: "Class C15"). In summary, the available evidence is currently insufficient to determine the role of this variant in disease. Therefore, it has been classified as a Variant of Uncertain Significance.

Ambry Genetics
Classification: Uncertain significance for Cardiovascular phenotype. Last evaluated: 2016-10-27. Review status: criteria provided, single submitter. Criteria: Ambry Variant Classification Scheme 2023. Collection method: clinical testing. Allele origin: germline.
Comment: The p.R137S variant (also known as c.411G>C), located in coding exon 1 of the MYPN gene, results from a G to C substitution at nucleotide position 411. The arginine at codon 137 is replaced by serine, an amino acid with dissimilar properties. Based on data from ExAC, the C allele has an overall frequency less than 0.01% (4/105922). The highest observed frequency was 0.05% (4/7828) of East Asian alleles. This amino acid position is poorly conserved in available vertebrate species. In addition, this alteration is predicted to be tolerated by in silico analysis. Since supporting evidence is limited at this time, the clinical significance of this alteration remains unclear.

Literature cited by the submitters: PubMed 30165862 (cited by Labcorp Genetics (formerly Invitae), Labcorp).

NM_032578.4(MYPN):c.411G>C (p.Arg137Ser)

Gene: MYPN (myopalladin; plus strand). Cytogenetic location: 10q21.3.
Variant type: single nucleotide variant.
Coding change: c.411G>C on transcript NM_032578.4 (MANE Select); coding-DNA position 411, G replaced by C.
Protein change: p.Arg137Ser; replaces arginine 137 with serine.
Molecular consequence: missense variant. On other transcripts: 5 prime UTR variant (1), non-coding transcript variant (1).
Genome position (GRCh38, 1-based): chr10:68,121,849, G>C. VCF-style: chr10-68121849-G-C. GRCh37 (hg19) VCF-style: chr10-69881606-G-C.
Other names: c.411G>C, p.Arg137Ser (NM_001256267.2); c.-712G>C (NM_001256268.2); short protein forms R137S.
Identifiers: ClinVar variation 520313 (VCV000520313.10), dbSNP rs751085897, ClinGen allele CA5522274.